The following is an entry in ClinVar:

ClinVar aggregate classification (germline): Uncertain significance. Review status: criteria provided, multiple submitters, no conflicts (2 of 4 stars). 2 submissions from 2 submitters: Uncertain significance (2). Last evaluated 2025-09-25.

Conditions:
Hereditary cancer-predisposing syndrome. Also called: Neoplastic Syndromes, Hereditary; Tumor predisposition; Hereditary Cancer Syndrome; Hereditary neoplastic syndrome. Identifiers: Orphanet 140162, MedGen C0027672, MeSH D009386, MONDO:0015356.
Hereditary pheochromocytoma and paraganglioma. Also called: Hereditary paragangliomas and pheochromocytomas; Hereditary Paraganglioma-Pheochromocytoma Syndromes; Hereditary pheochromocytoma-paraganglioma. Identifiers: Orphanet 29072, MedGen C4274332, MONDO:0017366.

Submissions (2):

Ambry Genetics
Classification: Uncertain significance for Hereditary cancer-predisposing syndrome. Last evaluated: 2025-09-25. Review status: criteria provided, single submitter. Criteria: Ambry Variant Classification Scheme 2023. Collection method: clinical testing. Allele origin: germline.
Comment: The p.E202G variant (also known as c.605A>G), located in coding exon 3 of the TMEM127 gene, results from an A to G substitution at nucleotide position 605. The glutamic acid at codon 202 is replaced by glycine, an amino acid with similar properties. This amino acid position is conserved. In addition, this alteration is predicted to be deleterious by in silico analysis. Based on the available evidence, the clinical significance of this variant remains unclear.

Labcorp Genetics (formerly Invitae), Labcorp
Classification: Uncertain significance for Hereditary pheochromocytoma and paraganglioma. Last evaluated: 2023-03-26. Review status: criteria provided, single submitter. Criteria: Invitae Variant Classification Sherloc (09022015). Collection method: clinical testing. Allele origin: germline.
Comment: This sequence change replaces glutamic acid, which is acidic and polar, with glycine, which is neutral and non-polar, at codon 202 of the TMEM127 protein (p.Glu202Gly). This variant is not present in population databases (gnomAD no frequency). This variant has not been reported in the literature in individuals affected with TMEM127-related conditions. An algorithm developed to predict the effect of missense changes on protein structure and function (PolyPhen-2) suggests that this variant is likely to be disruptive. In summary, the available evidence is currently insufficient to determine the role of this variant in disease. Therefore, it has been classified as a Variant of Uncertain Significance.

NM_017849.4(TMEM127):c.605A>G (p.Glu202Gly)

Gene: TMEM127 (transmembrane protein 127; minus strand). Cytogenetic location: 2q11.2.
Variant type: single nucleotide variant.
Coding change: c.605A>G on transcript NM_017849.4 (MANE Select); coding-DNA position 605, A replaced by G.
Protein change: p.Glu202Gly; replaces glutamic acid 202 with glycine.
Molecular consequence: missense variant.
Genome position (GRCh38, 1-based): chr2:96,253,920, T>C on the plus strand (A>G on the coding strand, the complement: TMEM127 is on the minus strand). VCF-style: chr2-96253920-T-C. GRCh37 (hg19) VCF-style: chr2-96919658-T-C.
Other names: c.605A>G, p.Glu202Gly (NM_001193304.3); c.353A>G, p.Glu118Gly (NM_001407282.1, NM_001407283.1); short protein forms E118G, E202G.
Identifiers: ClinVar variation 2849449 (VCV002849449.4), dbSNP rs2467263130, ClinGen allele CA347652008.
Genomic context (GRCh38, chr2:96,253,920, plus strand): 5'-GCCGGGTAGGGCTCGTTCTCTTCCATCTCTGAGAGCAGCTCCAGCGCCTGCTCCTCTTCC[T>C]CTGTGGGGTAGTGGCGCAGGAGGTTGGCTGCCGTGGCCAGGATTGAGGCTCCACCAGCTC-3'
Protein context (NP_060319.1, residues 192-212): AANLLRHYPT[Glu202Gly]EEEQALELLS